The following is an entry in ClinVar:

ClinVar aggregate classification (germline): Likely pathogenic (1 of 4 stars; one submission).

Conditions:
Autosomal recessive Alport syndrome (ATS2). Also called: ALPORT SYNDROME 2, AUTOSOMAL RECESSIVE; Alport syndrome type 2; COL4A4 Alport Syndrome and Thin Basement Membrane Nephropathy; COL4A3-Related Nephropathy. Identifiers: Orphanet 63, Orphanet 88919, MedGen C4746745, MONDO:0008762, OMIM 203780.

Allele frequency attached by ClinVar (database versions not stated): TOPMed below 0.00001.

Submission:

Myriad Genetics, Inc.
Classification: Likely pathogenic for Autosomal recessive Alport syndrome. Last evaluated: 2020-01-14. Review status: criteria provided, single submitter. Criteria: Myriad Women's Health Autosomal Recessive and X-Linked Classification Criteria (2019). Collection method: clinical testing. Allele origin: unknown.
Comment: NM_000092.4(COL4A4):c.3933C>A(Y1311*) is expected to be pathogenic in the context of COL4A4-related Alport syndrome. This variant is predicted to lead to an abnormal or absent protein product due to the creation of a premature termination codon in COL4A4, a gene where loss-of-function variants are known to be pathogenic. Please note: this variant was assessed in the context of healthy population screening.

NM_000092.5(COL4A4):c.3933C>A (p.Tyr1311Ter)

Gene: COL4A4 (collagen type IV alpha 4 chain; minus strand). Cytogenetic location: 2q36.3.
Variant type: single nucleotide variant.
Coding change: c.3933C>A on transcript NM_000092.5 (MANE Select); coding-DNA position 3933, C replaced by A.
Protein change: p.Tyr1311Ter; replaces tyrosine 1311 with a stop codon.
Molecular consequence: nonsense.
Genome position (GRCh38, 1-based): chr2:227,030,483, G>T on the plus strand (C>A on the coding strand, the complement: COL4A4 is on the minus strand). VCF-style: chr2-227030483-G-T. GRCh37 (hg19) VCF-style: chr2-227895199-G-T.
Other names: short protein forms Y1311*.
Identifiers: ClinVar variation 983885 (VCV000983885.3), dbSNP rs1433065763, ClinGen allele CA350837252.